The following is an entry in ClinVar:

ClinVar aggregate classification (germline): Uncertain significance (1 of 4 stars; one submission).

Allele frequency attached by ClinVar (database versions not stated): 1000 Genomes Project 30x 0.00016; 1000 Genomes Project 0.00020; ExAC 0.00003.
gnomAD v4.1: 46 of 1,613,884 alleles (0.0029%); highest among the groups gnomAD compares: African/African-American, 0.044%; no homozygotes.

Submission:

Labcorp Genetics (formerly Invitae), Labcorp
Classification: Uncertain significance. Last evaluated: 2025-07-29. Review status: criteria provided, single submitter. Criteria: Invitae Variant Classification Sherloc (09022015). Collection method: clinical testing. Allele origin: germline.
Comment: This sequence change replaces arginine, which is basic and polar, with histidine, which is basic and polar, at codon 94 of the MGP protein (p.Arg94His). This variant is present in population databases (rs546998085, gnomAD 0.06%). This variant has not been reported in the literature in individuals affected with MGP-related conditions. ClinVar contains an entry for this variant (Variation ID: 2180081). An algorithm developed to predict the effect of missense changes on protein structure and function (PolyPhen-2) suggests that this variant is likely to be tolerated. In summary, the available evidence is currently insufficient to determine the role of this variant in disease. Therefore, it has been classified as a Variant of Uncertain Significance.

NM_000900.5(MGP):c.281G>A (p.Arg94His)

Gene: MGP (matrix Gla protein; minus strand). Cytogenetic location: 12p12.3.
Variant type: single nucleotide variant.
Coding change: c.281G>A on transcript NM_000900.5 (MANE Select); coding-DNA position 281, G replaced by A.
Protein change: p.Arg94His; replaces arginine 94 with histidine.
Molecular consequence: missense variant.
Genome position (GRCh38, 1-based): chr12:14,882,170, C>T on the plus strand (G>A on the coding strand, the complement: MGP is on the minus strand). VCF-style: chr12-14882170-C-T. GRCh37 (hg19) VCF-style: chr12-15035104-C-T.
Other names: c.356G>A, p.Arg119His (NM_001190839.3); short protein forms R119H, R94H.
Identifiers: ClinVar variation 2180081 (VCV002180081.4), dbSNP rs546998085, ClinGen allele CA6465122.